The following is an entry in ClinVar:

NM_001330260.2(SCN8A):c.4237A>G (p.Lys1413Glu)

Gene: SCN8A (sodium voltage-gated channel alpha subunit 8; plus strand). Cytogenetic location: 12q13.13.
Variant type: single nucleotide variant.
Coding change: c.4237A>G on transcript NM_001330260.2 (MANE Select); coding-DNA position 4237, A replaced by G.
Protein change: p.Lys1413Glu; replaces lysine 1413 with glutamic acid.
Molecular consequence: missense variant.
Genome position (GRCh38, 1-based): chr12:51,788,704, A>G. VCF-style: chr12-51788704-A-G. GRCh37 (hg19) VCF-style: chr12-52182488-A-G.
Other names: c.4114A>G, p.Lys1372Glu (NM_001177984.3, NM_001369788.1); c.4237A>G, p.Lys1413Glu (NM_014191.4); short protein forms K1413E, K1372E.
Identifiers: ClinVar variation 565796 (VCV000565796.9), dbSNP rs1555228668, ClinGen allele CA384907223.

ClinVar aggregate classification (germline): Likely pathogenic (1 of 4 stars; one submission).

Conditions:
Early-infantile DEE. Also called: Ohtahara syndrome; Early infantile epileptic encephalopathy; Early infantile epileptic encephalopathy with suppression bursts. Identifiers: Orphanet 1934, MedGen C0393706, MONDO:0800491.

Submission:

Labcorp Genetics (formerly Invitae), Labcorp
Classification: Likely pathogenic for Early-infantile DEE. Last evaluated: 2020-04-01. Review status: criteria provided, single submitter. Criteria: Invitae Variant Classification Sherloc (09022015). Collection method: clinical testing. Allele origin: germline.
Comment: This variant is not present in population databases (ExAC no frequency). This variant has been observed in individual(s) with clinical features of early infantile epileptic encephalopathy (Invitae). In at least one individual the variant was observed to be de novo. ClinVar contains an entry for this variant (Variation ID: 565796). Algorithms developed to predict the effect of missense changes on protein structure and function are either unavailable or do not agree on the potential impact of this missense change (SIFT: "Deleterious"; PolyPhen-2: "Probably Damaging"; Align-GVGD: "Class C0"). In summary, the currently available evidence indicates that the variant is pathogenic, but additional data are needed to prove that conclusively. Therefore, this variant has been classified as Likely Pathogenic. This sequence change replaces lysine with glutamic acid at codon 1413 of the SCN8A protein (p.Lys1413Glu). The lysine residue is highly conserved and there is a small physicochemical difference between lysine and glutamic acid.